The following is an entry in ClinVar:

ClinVar aggregate classification (germline): Uncertain significance (1 of 4 stars; one submission).

Allele frequency attached by ClinVar (database versions not stated): gnomAD 0.00001; gnomAD exomes 0.00004; ExAC 0.00006.
gnomAD v4.1: 16 of 1,613,728 alleles (0.00099%); highest among the groups gnomAD compares: East Asian, 0.031%; no homozygotes.

Submission:

Labcorp Genetics (formerly Invitae), Labcorp
Classification: Uncertain significance. Last evaluated: 2022-05-11. Review status: criteria provided, single submitter. Criteria: Invitae Variant Classification Sherloc (09022015). Collection method: clinical testing. Allele origin: germline.
Comment: ClinVar contains an entry for this variant (Variation ID: 1037394). This variant has not been reported in the literature in individuals affected with ARMC9-related conditions. This variant is present in population databases (rs753090752, gnomAD 0.05%). This sequence change replaces leucine, which is neutral and non-polar, with phenylalanine, which is neutral and non-polar, at codon 408 of the ARMC9 protein (p.Leu408Phe). In summary, the available evidence is currently insufficient to determine the role of this variant in disease. Therefore, it has been classified as a Variant of Uncertain Significance. Experimental studies and prediction algorithms are not available or were not evaluated, and the functional significance of this variant is currently unknown.

NM_001352754.2(ARMC9):c.1222C>T (p.Leu408Phe)

Gene: ARMC9 (armadillo repeat containing 9; plus strand). Cytogenetic location: 2q37.1.
Variant type: single nucleotide variant.
Coding change: c.1222C>T on transcript NM_001352754.2 (MANE Select); coding-DNA position 1222, C replaced by T.
Protein change: p.Leu408Phe; replaces leucine 408 with phenylalanine.
Molecular consequence: missense variant. On other transcripts: non-coding transcript variant (1).
Genome position (GRCh38, 1-based): chr2:231,272,966, C>T. VCF-style: chr2-231272966-C-T. GRCh37 (hg19) VCF-style: chr2-232137679-C-T.
Other names: c.1222C>T, p.Leu408Phe (NM_001271466.4, NM_001291656.2, NM_001352755.2 and 3 more transcripts); c.1123C>T, p.Leu375Phe (NM_001352757.2, NM_001352758.2); short protein forms L375F, L408F.
Identifiers: ClinVar variation 1037394 (VCV001037394.8), dbSNP rs753090752, ClinGen allele CA2160257.